The following is an entry in ClinVar:

ClinVar aggregate classification (germline): Uncertain significance (1 of 4 stars; one submission).

Allele frequency attached by ClinVar (database versions not stated): gnomAD 0.00001.
gnomAD v4.1: 28 of 1,613,688 alleles (0.0017%); highest among the groups gnomAD compares: East Asian, 0.06%; no homozygotes.

Submission:

GeneDx
Classification: Uncertain significance. Last evaluated: 2021-03-31. Review status: criteria provided, single submitter. Criteria: GeneDx Variant Classification Process June 2021. Collection method: clinical testing. Allele origin: germline. Affected: yes.
Comment: Not observed in large population cohorts (Lek et al., 2016); Missense variant in a gene in which most reported pathogenic variants are truncating/loss-of-function; Has not been previously published as pathogenic or benign to our knowledge

NM_001267550.2(TTN):c.99656T>C (p.Met33219Thr)

Genes: TTN (titin; minus strand), TTN-AS1 (TTN antisense RNA 1; plus strand), LOC126806420 (BRD4-independent group 4 enhancer GRCh37_chr2:179401104-179402303; plus strand). Cytogenetic location: 2q31.2.
Variant type: single nucleotide variant.
Coding change: c.99656T>C on transcript NM_001267550.2 (MANE Select); coding-DNA position 99656, T replaced by C.
Protein change: p.Met33219Thr; replaces methionine 33219 with threonine.
Molecular consequence: missense variant. On other transcripts: non-coding transcript variant (1).
Genome position (GRCh38, 1-based): chr2:178,537,551, A>G on the plus strand (T>C on the coding strand, the complement: TTN is on the minus strand). VCF-style: chr2-178537551-A-G. GRCh37 (hg19) VCF-style: chr2-179402278-A-G.
Other names: c.94733T>C, p.Met31578Thr (NM_001256850.1); c.72461T>C, p.Met24154Thr (NM_003319.4); c.91952T>C, p.Met30651Thr (NM_133378.4); c.72836T>C, p.Met24279Thr (NM_133432.3); c.73037T>C, p.Met24346Thr (NM_133437.4); short protein forms M24154T, M24279T, M24346T, M30651T, M31578T, M33219T.
Identifiers: ClinVar variation 1314171 (VCV001314171.2), dbSNP rs1692183695, ClinGen allele CA349427748.